The following is an entry in ClinVar:

NM_001852.4(COL9A2):c.1369-3C>A

Gene: COL9A2 (collagen type IX alpha 2 chain; minus strand). Cytogenetic location: 1p34.2.
Variant type: single nucleotide variant.
Coding change: c.1369-3C>A on transcript NM_001852.4 (MANE Select); 3 bases into the intron before coding-DNA position 1369, C replaced by A.
Molecular consequence: intron variant.
Genome position (GRCh38, 1-based): chr1:40,303,842, G>T on the plus strand (C>A on the coding strand, the complement: COL9A2 is on the minus strand). VCF-style: chr1-40303842-G-T. GRCh37 (hg19) VCF-style: chr1-40769514-G-T.
Identifiers: ClinVar variation 2773272 (VCV002773272.3), dbSNP rs2522491149, ClinGen allele CA2645102124.
Genomic context (GRCh38, chr1:40,303,842, plus strand): 5'-AGAACGCCGGGAGGGGAGGACTCACCTGTCCCTTGGGCCCCGGCTCGCCGGACTCGCCCT[G>T]CAGGCACAAGGAGCAGCGGTCACGAAGCCGCGGGGACCCCGGGGCCAGCCGCCGCTCCCC-3'

ClinVar aggregate classification (germline): Uncertain significance (1 of 4 stars; one submission).

Submission:

Labcorp Genetics (formerly Invitae), Labcorp
Classification: Uncertain significance. Last evaluated: 2025-09-02. Review status: criteria provided, single submitter. Criteria: Invitae Variant Classification Sherloc (09022015). Collection method: clinical testing. Allele origin: germline.
Comment: This sequence change falls in intron 26 of the COL9A2 gene. It does not directly change the encoded amino acid sequence of the COL9A2 protein. It affects a nucleotide within the consensus splice site. This variant is not present in population databases (gnomAD no frequency). This variant has not been reported in the literature in individuals affected with COL9A2-related conditions. ClinVar contains an entry for this variant (Variation ID: 2773272). Variants that disrupt the consensus splice site are a relatively common cause of aberrant splicing (PMID: 17576681, 9536098). Algorithms developed to predict the effect of sequence changes on RNA splicing suggest that this variant may disrupt the consensus splice site. In summary, the available evidence is currently insufficient to determine the role of this variant in disease. Therefore, it has been classified as a Variant of Uncertain Significance.

Literature cited by the submitters: PubMed 17576681; PubMed 9536098.